The following is an entry in ClinVar:

NM_001368397.1(FRMPD4):c.2539G>A (p.Val847Met)

Gene: FRMPD4 (FERM and PDZ domain containing 4; plus strand). Cytogenetic location: Xp22.2.
Variant type: single nucleotide variant.
Coding change: c.2539G>A on transcript NM_001368397.1 (MANE Select); coding-DNA position 2539, G replaced by A.
Protein change: p.Val847Met; replaces valine 847 with methionine.
Molecular consequence: missense variant.
Genome position (GRCh38, 1-based): chrX:12,716,998, G>A. VCF-style: chrX-12716998-G-A. GRCh37 (hg19) VCF-style: chrX-12735117-G-A.
Other names: c.2650G>A, p.Val884Met (NM_001368395.3, NM_001368398.3); c.2545G>A, p.Val849Met (NM_001368396.3); c.2530G>A, p.Val844Met (NM_001368399.3); c.2419G>A, p.Val807Met (NM_001368400.3); c.2515G>A, p.Val839Met (NM_001368401.1, NM_001368402.3); c.2539G>A, p.Val847Met (NM_014728.3); short protein forms V807M, V839M, V844M, V847M, V849M, V884M.
Identifiers: ClinVar variation 2574372 (VCV002574372.3), dbSNP rs756190383, ClinGen allele CA10349462.
Genomic context (GRCh38, chrX:12,716,998, plus strand): 5'-GCAGCTTCCTTCCCCGAGGACAAGGAGAAAGGCAGCAGCCTGCAAAATGATGAGATCCCC[G>A]TGTCCCTCATTGACGCTGTGCCCACCAGCGCCGAAGGCAAGTGTGAGAAGGGACTGGATA-3'
Protein context (NP_001355326.1, residues 837-857): GSSLQNDEIP[Val847Met]SLIDAVPTSA

ClinVar aggregate classification (germline): Uncertain significance. Review status: criteria provided, multiple submitters, no conflicts (2 of 4 stars). 3 submissions from 3 submitters: Uncertain significance (3). Last evaluated 2025-11-08.

Conditions:
Inborn genetic diseases. Identifiers: MedGen C0950123, MeSH D030342.

Allele frequency attached by ClinVar (database versions not stated): TOPMed below 0.00001; ExAC 0.00001; gnomAD exomes 0.00001.
gnomAD v4.1: 8 of 1,210,162 alleles (0.00066%); highest among the groups gnomAD compares: South Asian, 0.0035%; no homozygotes.

Submissions (3):

Ambry Genetics
Classification: Uncertain significance for Inborn genetic diseases. Last evaluated: 2025-11-08. Review status: criteria provided, single submitter. Criteria: Ambry Variant Classification Scheme 2023. Collection method: clinical testing. Allele origin: germline.

GeneDx
Classification: Uncertain significance. Last evaluated: 2023-07-26. Review status: criteria provided, single submitter. Criteria: GeneDx Variant Classification Process June 2021. Collection method: clinical testing. Allele origin: germline. Affected: yes.
Comment: Not observed in large population cohorts (gnomAD); In silico analysis supports that this missense variant does not alter protein structure/function; Has not been previously published as pathogenic or benign to our knowledge

Blueprint Genetics
Classification: Uncertain significance. Last evaluated: 2023-03-31. Review status: criteria provided, single submitter. Criteria: ACMG Guidelines, 2015. Collection method: clinical testing. Allele origin: germline.